The following is an entry in ClinVar:

NM_001122630.2(CDKN1C):c.206_207insA (p.Glu70fs)

Gene: CDKN1C (cyclin dependent kinase inhibitor 1C; minus strand). Cytogenetic location: 11p15.4.
Variant type: Insertion.
Coding change: c.206_207insA on transcript NM_001122630.2 (MANE Select); coding-DNA positions 206 to 207, A inserted.
Protein change: p.Glu70fs; shifts the reading frame from glutamic acid 70.
Molecular consequence: frameshift variant.
Genome position: GRCh38 VCF-style: chr11-2885250-G-GT. GRCh37 (hg19) VCF-style: chr11-2906480-G-GT.
Other names: c.239_240insA, p.Glu81fs (NM_000076.2, NM_001362474.2); c.206_207insA, p.Glu70fs (NM_001122631.2, NM_001362475.2); short protein forms E70fs, E81fs.
Identifiers: ClinVar variation 3660058 (VCV003660058.2).

ClinVar aggregate classification (germline): Pathogenic (1 of 4 stars; one submission).

Conditions:
Beckwith-Wiedemann syndrome (BWS). Also called: Exomphalos macroglossia gigantism syndrome; EMG SYNDROME. Identifiers: Orphanet 116, MedGen C0004903, MONDO:0007534, OMIM 130650.

Submission:

Labcorp Genetics (formerly Invitae), Labcorp
Classification: Pathogenic for Beckwith-Wiedemann syndrome. Last evaluated: 2024-07-21. Review status: criteria provided, single submitter. Criteria: Invitae Variant Classification Sherloc (09022015). Collection method: clinical testing. Allele origin: germline.
Comment: This sequence change creates a premature translational stop signal (p.Glu81Argfs*44) in the CDKN1C gene. It is expected to result in an absent or disrupted protein product. Loss-of-function variants in CDKN1C are known to be pathogenic (PMID: 20503313). This variant is not present in population databases (gnomAD no frequency). This variant has not been reported in the literature in individuals affected with CDKN1C-related conditions. For these reasons, this variant has been classified as Pathogenic.

Literature cited by the submitters: PubMed 20503313.